The following is an entry in ClinVar:

ClinVar aggregate classification (germline): Uncertain significance (1 of 4 stars; one submission).

Conditions:
Immunodeficiency, common variable, 7. Identifiers: Orphanet 1572, Orphanet 696894, MedGen C3542922, MONDO:0013862, OMIM 614699.

Allele frequency attached by ClinVar (database versions not stated): ESP Exome Variant Server 0.00008; gnomAD exomes below 0.00001; TOPMed 0.00001.
gnomAD v4.1: 10 of 1,613,904 alleles (0.00062%); highest among the groups gnomAD compares: Non-Finnish European, 0.00085%; no homozygotes.

Submission:

Labcorp Genetics (formerly Invitae), Labcorp
Classification: Uncertain significance for Immunodeficiency, common variable, 7. Last evaluated: 2019-06-19. Review status: criteria provided, single submitter. Criteria: Invitae Variant Classification Sherloc (09022015). Collection method: clinical testing. Allele origin: germline.
Comment: In summary, the available evidence is currently insufficient to determine the role of this variant in disease. Therefore, it has been classified as a Variant of Uncertain Significance. Algorithms developed to predict the effect of sequence changes on RNA splicing suggest that this variant may create or strengthen a splice site, but this prediction has not been confirmed by published transcriptional studies. Algorithms developed to predict the effect of missense changes on protein structure and function are either unavailable or do not agree on the potential impact of this missense change (SIFT: "Tolerated"; PolyPhen-2: "Possibly Damaging"; Align-GVGD: "Class C0"). This variant has not been reported in the literature in individuals with CR2-related conditions. This variant is not present in population databases (ExAC no frequency). This sequence change replaces threonine with arginine at codon 673 of the CR2 protein (p.Thr673Arg). The threonine residue is weakly conserved and there is a moderate physicochemical difference between threonine and arginine.

NM_001006658.3(CR2):c.2018C>G (p.Thr673Arg)

Gene: CR2 (complement C3d receptor 2; plus strand). Cytogenetic location: 1q32.2.
Variant type: single nucleotide variant.
Coding change: c.2018C>G on transcript NM_001006658.3 (MANE Select); coding-DNA position 2018, C replaced by G.
Protein change: p.Thr673Arg; replaces threonine 673 with arginine.
Molecular consequence: missense variant. On other transcripts: intron variant (1).
Genome position (GRCh38, 1-based): chr1:207,473,584, C>G. VCF-style: chr1-207473584-C-G. GRCh37 (hg19) VCF-style: chr1-207646929-C-G.
Other names: c.1979-217C>G (NM_001877.5); short protein forms T673R.
Identifiers: ClinVar variation 946072 (VCV000946072.11), dbSNP rs141171306, ClinGen allele CA36652374.